The following is an entry in ClinVar:

ClinVar aggregate classification (germline): Pathogenic (1 of 4 stars; one submission).

Submission:

Labcorp Genetics (formerly Invitae), Labcorp
Classification: Pathogenic. Last evaluated: 2022-09-20. Review status: criteria provided, single submitter. Criteria: Invitae Variant Classification Sherloc (09022015). Collection method: clinical testing. Allele origin: germline.
Comment: This variant has not been reported in the literature in individuals affected with FAM161A-related conditions. This variant is not present in population databases (gnomAD no frequency). This sequence change creates a premature translational stop signal (p.Ala105Cysfs*16) in the FAM161A gene. It is expected to result in an absent or disrupted protein product. Loss-of-function variants in FAM161A are known to be pathogenic (PMID: 20705278, 20705279, 24651477). For these reasons, this variant has been classified as Pathogenic.

Literature cited by the submitters: PubMed 20705278; PubMed 20705279; PubMed 24651477.

NM_001201543.2(FAM161A):c.311dup (p.Ala105fs)

Gene: FAM161A (FAM161 centrosomal protein A; minus strand). Cytogenetic location: 2p15.
Variant type: Duplication.
Coding change: c.311dup on transcript NM_001201543.2 (MANE Select); coding-DNA position 311, one base duplicated (C; older notation c.311dupC).
Protein change: p.Ala105fs; shifts the reading frame from alanine 105.
Molecular consequence: frameshift variant. On other transcripts: non-coding transcript variant (1).
Genome position (GRCh38, 1-based): chr2:61,842,233, G duplicated on the plus strand (C on the coding strand, the reverse complement: FAM161A is on the minus strand). VCF-style (leftmost placement, unchanged base first): chr2-61842232-A-AG. GRCh37 (hg19) VCF-style: chr2-62069367-A-AG.
Other names: c.311dup, p.Ala105fs (NM_032180.3); short protein forms A105fs.
Identifiers: ClinVar variation 2031538 (VCV002031538.4), dbSNP rs2466033794, ClinGen allele CA2580067650.
Genomic context (GRCh38, chr2:61,842,232, plus strand): 5'-CTTTAAATGTAATTTATCCTGGTACATTTTCTCTAATTTTGCCATAGTTTCTATGTGGGC[A>AG]GCCTTCAACTCTTCTACTTTCTTGAAATACTCCTCATTAGAGTGGTGAATATCAGGAAAG-3'